The following is an entry in ClinVar:

ClinVar aggregate classification (germline): Uncertain significance (1 of 4 stars; one submission).

Conditions:
Mitochondrial hypertrophic cardiomyopathy with lactic acidosis due to MTO1 deficiency. Also called: CARDIOMYOPATHY, INFANTILE HYPERTROPHIC MITOCHONDRIAL, AND LACTIC ACIDOSIS; Combined oxidative phosphorylation deficiency 10. Identifiers: Orphanet 314637, MedGen C4749921, MONDO:0013865, OMIM 614702.

Allele frequency attached by ClinVar (database versions not stated): gnomAD 0.00001; gnomAD exomes 0.00001 and 0.00002; TOPMed 0.00001; ExAC 0.00002.
gnomAD v4.1: 8 of 1,614,010 alleles (0.0005%); highest among the groups gnomAD compares: Admixed American, 0.012%; no homozygotes.

Submission:

Labcorp Genetics (formerly Invitae), Labcorp
Classification: Uncertain significance for Mitochondrial hypertrophic cardiomyopathy with lactic acidosis due to MTO1 deficiency. Last evaluated: 2023-11-27. Review status: criteria provided, single submitter. Criteria: Invitae Variant Classification Sherloc (09022015). Collection method: clinical testing. Allele origin: germline.
Comment: This sequence change replaces isoleucine, which is neutral and non-polar, with threonine, which is neutral and polar, at codon 219 of the MTO1 protein (p.Ile219Thr). This variant is present in population databases (rs747465085, gnomAD 0.02%). This variant has not been reported in the literature in individuals affected with MTO1-related conditions. ClinVar contains an entry for this variant (Variation ID: 1349837). Advanced modeling of protein sequence and biophysical properties (such as structural, functional, and spatial information, amino acid conservation, physicochemical variation, residue mobility, and thermodynamic stability) performed at Invitae indicates that this missense variant is not expected to disrupt MTO1 protein function with a negative predictive value of 95%. In summary, the available evidence is currently insufficient to determine the role of this variant in disease. Therefore, it has been classified as a Variant of Uncertain Significance.

NM_012123.4(MTO1):c.656T>C (p.Ile219Thr)

Gene: MTO1 (mitochondrial tRNA translation optimization 1; plus strand). Cytogenetic location: 6q13.
Variant type: single nucleotide variant.
Coding change: c.656T>C on transcript NM_012123.4 (MANE Select); coding-DNA position 656, T replaced by C.
Protein change: p.Ile219Thr; replaces isoleucine 219 with threonine.
Molecular consequence: missense variant.
Genome position (GRCh38, 1-based): chr6:73,473,485, T>C. VCF-style: chr6-73473485-T-C. GRCh37 (hg19) VCF-style: chr6-74183208-T-C.
Other names: c.656T>C, p.Ile219Thr (NM_001123226.2, NM_133645.3); short protein forms I219T.
Identifiers: ClinVar variation 1349837 (VCV001349837.5), dbSNP rs747465085, ClinGen allele CA3889416.
Genomic context (GRCh38, chr6:73,473,485, plus strand): 5'-GCATGATTGTAATTGGATTGGAGACGCATCCAGCAGGACGTTTAGGGGATCAGCCTTCTA[T>C]AGGATTGGCTCAGACACTGGAGAAGTTAGGGTTTGTGGTGGGAAGGTTGAAGACTGGGAC-3'
Protein context (NP_036255.2, residues 209-229): PAGRLGDQPS[Ile219Thr]GLAQTLEKLG